The following is an entry in ClinVar:

NM_001111.5(ADAR):c.455A>G (p.Glu152Gly)

Gene: ADAR (adenosine deaminase RNA specific; minus strand). Cytogenetic location: 1q21.3.
Variant type: single nucleotide variant.
Coding change: c.455A>G on transcript NM_001111.5 (MANE Select); coding-DNA position 455, A replaced by G.
Protein change: p.Glu152Gly; replaces glutamic acid 152 with glycine.
Molecular consequence: missense variant. On other transcripts: 5 prime UTR variant (6).
Genome position (GRCh38, 1-based): chr1:154,602,187, T>C on the plus strand (A>G on the coding strand, the complement: ADAR is on the minus strand). VCF-style: chr1-154602187-T-C. GRCh37 (hg19) VCF-style: chr1-154574663-T-C.
Other names: c.-431A>G (NM_001025107.3, NM_001193495.2, NM_001365046.1 and 3 more transcripts); c.482A>G, p.Glu161Gly (NM_001365045.1); c.455A>G, p.Glu152Gly (NM_015840.4, NM_015841.4); short protein forms E152G, E161G.
Identifiers: ClinVar variation 3759362 (VCV003759362.2).
Genomic context (GRCh38, chr1:154,602,187, plus strand): 5'-ATTTCTTTCTTCGGAGTCCCAAGTTTCCCAGACAGATCATGTGCTGTGGTGGCCTTCCCT[T>C]CCCCAAGCTCTTCCAGGAACTTTAAGATCCTTTGTTCCTGATCTTGGTAGATACTCAGTT-3'
Protein context (NP_001102.3, residues 142-162): RILKFLEELG[Glu152Gly]GKATTAHDLS

ClinVar aggregate classification (germline): Uncertain significance (1 of 4 stars; one submission).

Conditions:
Symmetrical dyschromatosis of extremities (DSH). Also called: DYSCHROMATOSIS SYMMETRICA HEREDITARIA 1; RETICULATE ACROPIGMENTATION OF DOHI; SYMMETRIC DYSCHROMATOSIS OF THE EXTREMITIES; Dyschromatosis symmetrica hereditaria. Identifiers: Orphanet 41, MedGen C0406775, MONDO:0007483, OMIM 127400.
Aicardi-Goutieres syndrome 6 (AGS6). Identifiers: Orphanet 51, MedGen C3539013, MONDO:0014007, OMIM 615010.

Submission:

Labcorp Genetics (formerly Invitae), Labcorp
Classification: Uncertain significance for Aicardi-Goutieres syndrome 6; Symmetrical dyschromatosis of extremities. Last evaluated: 2024-10-04. Review status: criteria provided, single submitter. Criteria: Invitae Variant Classification Sherloc (09022015). Collection method: clinical testing. Allele origin: germline.
Comment: This sequence change replaces glutamic acid, which is acidic and polar, with glycine, which is neutral and non-polar, at codon 152 of the ADAR protein (p.Glu152Gly). This variant is not present in population databases (gnomAD no frequency). This variant has not been reported in the literature in individuals affected with ADAR-related conditions. An algorithm developed to predict the effect of missense changes on protein structure and function (PolyPhen-2) suggests that this variant is likely to be tolerated. In summary, the available evidence is currently insufficient to determine the role of this variant in disease. Therefore, it has been classified as a Variant of Uncertain Significance.